The following is an entry in ClinVar:

ClinVar aggregate classification (germline): Likely benign (1 of 4 stars; one submission).

Conditions:
Leigh syndrome (NULS). Also called: Leigh's necrotizing encephalopathy; Leigh's disease; Leigh Syndrome (mtDNA deletion); Leigh Disease; Subacute necrotizing encephalopathy; Necrotizing encephalopathy infantile subacute of Leigh. Identifiers: Orphanet 506, MedGen C2931891, MONDO:0009723, OMIM 256000.

Submission:

Wong Mito Lab, Molecular and Human Genetics, Baylor College of Medicine
Classification: Likely benign for Leigh syndrome. Last evaluated: 2019-10-17. Review status: criteria provided, single submitter. Criteria: Modified ACMG Guidelines (Unpublished). Collection method: clinical testing. Allele origin: germline.
Comment: The NC_012920.1:m.13543T>C (YP_003024036.1:p.Tyr403His) variant in MTND5 gene is interpretated to be a Likely Benign variant based on the modified ACMG guidelines (unpublished). This variant meets the following evidence codes: BS4, BP4

NC_012920.1(MT-ND5):m.13543T>C

Gene: MT-ND5 (mitochondrially encoded NADH dehydrogenase 5; plus strand).
Variant type: single nucleotide variant.
Genome position: chrM-13543-T-C.
Identifiers: ClinVar variation 693570 (VCV000693570.1), dbSNP rs1603224227, ClinGen allele CA414818458.